The following is an entry in ClinVar:

NM_000381.4(MID1):c.571G>A (p.Asp191Asn)

Gene: MID1 (midline 1; minus strand). Cytogenetic location: Xp22.2.
Variant type: single nucleotide variant.
Coding change: c.571G>A on transcript NM_000381.4 (MANE Select); coding-DNA position 571, G replaced by A.
Protein change: p.Asp191Asn; replaces aspartic acid 191 with asparagine.
Molecular consequence: missense variant. On other transcripts: intron variant (2).
Genome position (GRCh38, 1-based): chrX:10,566,977, C>T on the plus strand (G>A on the coding strand, the complement: MID1 is on the minus strand). VCF-style: chrX-10566977-C-T. GRCh37 (hg19) VCF-style: chrX-10535017-C-T.
Other names: c.571G>A, p.Asp191Asn (NM_001098624.2, NM_001193277.1, NM_001193278.1 and 3 more transcripts); c.546+25G>A (NM_033289.2, NM_001193280.1); short protein forms D191N.
Identifiers: ClinVar variation 2636638 (VCV002636638.1), dbSNP rs2519200137, ClinGen allele CA412048042.
Genomic context (GRCh38, chrX:10,566,977, plus strand): 5'-CTGCCACCTGATGATCGCGGTGCCGCCCAACCAGTTTACACAAGGCACAGATTAACTGGT[C>T]ATCGGTCACACAGTACATATTCACCTTCTCATCCTCATGCTCCAAGCACATCAGCCCCCG-3'
Protein context (NP_000372.1, residues 181-201): EKVNMYCVTD[Asp191Asn]QLICALCKLV

ClinVar aggregate classification (germline): Uncertain significance (1 of 4 stars; one submission).

Conditions:
MID1-related disorder. Also called: MID1-related condition.

Submission:

PreventionGenetics, part of Exact Sciences
Classification: Uncertain significance for MID1-related condition. Last evaluated: 2023-06-23. Review status: criteria provided, single submitter. Criteria: ACMG Guidelines, 2015. Collection method: clinical testing. Allele origin: germline.
Comment: The MID1 c.571G>A variant is predicted to result in the amino acid substitution p.Asp191Asn. To our knowledge, this variant has not been reported in the literature or in a large population database, indicating this variant is rare. At this time, the clinical significance of this variant is uncertain due to the absence of conclusive functional and genetic evidence.